The following is an entry in ClinVar:

NM_058216.3(RAD51C):c.351A>G (p.Leu117=)

Gene: RAD51C (RAD51 paralog C; plus strand). Cytogenetic location: 17q22.
Variant type: single nucleotide variant.
Coding change: c.351A>G on transcript NM_058216.3 (MANE Select); coding-DNA position 351, A replaced by G.
Protein change: p.Leu117=; no amino-acid change (leucine 117 retained).
Molecular consequence: synonymous variant. On other transcripts: non-coding transcript variant (2).
Genome position (GRCh38, 1-based): chr17:58,695,136, A>G. VCF-style: chr17-58695136-A-G. GRCh37 (hg19) VCF-style: chr17-56772497-A-G.
Other names: c.351A>G, p.Leu117= (NM_002876.4).
Identifiers: ClinVar variation 215954 (VCV000215954.23), dbSNP rs370986989, ClinGen allele CA339494.

ClinVar aggregate classification (germline): Benign/Likely benign. Review status: criteria provided, multiple submitters, no conflicts (2 of 4 stars). 8 submissions from 8 submitters: Benign (1); Likely benign (7). Last evaluated 2026-01-11.

Conditions:
RAD51C-related disorder. Also called: RAD51C-related condition; RAD51C-related disorders.
Hereditary cancer-predisposing syndrome. Also called: Neoplastic Syndromes, Hereditary; Tumor predisposition; Hereditary Cancer Syndrome; Hereditary neoplastic syndrome. Identifiers: Orphanet 140162, MedGen C0027672, MeSH D009386, MONDO:0015356.
Fanconi anemia complementation group O. Also called: RAD51C-Related Fanconi Anemia. Identifiers: Orphanet 84, MedGen C3150653, MONDO:0013248, OMIM 613390.
Breast-ovarian cancer, familial, susceptibility to, 3. Also called: RAD51C-Related Breast/Ovarian Cancer. Identifiers: Orphanet 145, MedGen C3150659, MONDO:0013253, OMIM 613399.

Allele frequency attached by ClinVar (database versions not stated): 1000 Genomes Project 0.00060; gnomAD exomes 0.00003; ExAC 0.00004; gnomAD 0.00006 and 0.00008; ESP Exome Variant Server 0.00008; TOPMed 0.00009; 1000 Genomes Project 30x 0.00047.
gnomAD v4.1: 18 of 1,613,966 alleles (0.0011%); highest among the groups gnomAD compares: African/African-American, 0.021%; no homozygotes.

Submissions (8):

Labcorp Genetics (formerly Invitae), Labcorp
Classification: Likely benign for Fanconi anemia complementation group O. Last evaluated: 2026-01-11. Review status: criteria provided, single submitter. Criteria: Invitae Variant Classification Sherloc (09022015). Collection method: clinical testing. Allele origin: germline.

PreventionGenetics, part of Exact Sciences
Classification: Likely benign for RAD51C-related condition. Last evaluated: 2025-03-22. Review status: criteria provided, single submitter. Criteria: ACMG Guidelines, 2015. Collection method: clinical testing. Allele origin: germline.
Comment: This variant is classified as likely benign based on ACMG/AMP sequence variant interpretation guidelines (Richards et al. 2015 PMID: 25741868, with internal and published modifications).

Myriad Genetics, Inc.
Classification: Benign for Breast-ovarian cancer, familial, susceptibility to, 3. Last evaluated: 2025-02-14. Review status: criteria provided, single submitter. Criteria: Myriad Autosomal Dominant, Autosomal Recessive and X-Linked Classification Criteria (2023). Collection method: clinical testing. Allele origin: unknown.
Comment: This variant is considered benign. This variant is a silent/synonymous amino acid change and it is not expected to impact splicing.

Blueprint Genetics
Classification: Likely benign. Last evaluated: 2023-07-31. Review status: criteria provided, single submitter. Criteria: ACMG Guidelines, 2015. Collection method: clinical testing. Allele origin: germline.

Women's Health and Genetics/Laboratory Corporation of America, LabCorp
Classification: Likely benign. Last evaluated: 2020-01-31. Review status: criteria provided, single submitter. Criteria: LabCorp Variant Classification Summary - May 2015. Collection method: clinical testing. Allele origin: germline.

GeneDx
Classification: Likely benign. Last evaluated: 2019-07-31. Review status: criteria provided, single submitter. Criteria: GeneDx Variant Classification Process June 2021. Collection method: clinical testing. Allele origin: germline. Affected: yes.

Color Diagnostics, LLC DBA Color Health
Classification: Likely benign for Hereditary cancer-predisposing syndrome. Last evaluated: 2017-05-11. Review status: criteria provided, single submitter. Criteria: ACMG Guidelines, 2015. Collection method: clinical testing. Allele origin: germline.

Ambry Genetics
Classification: Likely benign for Hereditary cancer-predisposing syndrome. Last evaluated: 2015-09-30. Review status: criteria provided, single submitter. Criteria: Ambry Variant Classification Scheme 2023. Collection method: clinical testing. Allele origin: germline.